The following is an entry in ClinVar:

NM_000369.5(TSHR):c.1703T>A (p.Ile568Asn)

Genes: TSHR-AS1 (TSHR antisense RNA 1; minus strand), TSHR (thyroid stimulating hormone receptor; plus strand). Cytogenetic location: 14q31.1.
Variant type: single nucleotide variant.
Coding change: c.1703T>A on transcript NM_000369.5 (MANE Select); coding-DNA position 1703, T replaced by A.
Protein change: p.Ile568Asn; replaces isoleucine 568 with asparagine.
Molecular consequence: missense variant.
Genome position (GRCh38, 1-based): chr14:81,143,761, T>A. VCF-style: chr14-81143761-T-A. GRCh37 (hg19) VCF-style: chr14-81610105-T-A.
Other names: short protein forms I568N.
Identifiers: ClinVar variation 1878860 (VCV001878860.1), dbSNP rs149978216, ClinGen allele CA7294512.

ClinVar aggregate classification (germline): Uncertain significance (1 of 4 stars; one submission).

Allele frequency attached by ClinVar (database versions not stated): gnomAD 0.00004; ExAC 0.00005; ESP Exome Variant Server 0.00008; TOPMed 0.00010; gnomAD exomes 0.00011.
gnomAD v4.1: 165 of 1,614,078 alleles (0.01%); highest among the groups gnomAD compares: Admixed American, 0.013%; no homozygotes.

Submission:

GeneDx
Classification: Uncertain significance. Last evaluated: 2022-07-12. Review status: criteria provided, single submitter. Criteria: GeneDx Variant Classification Process June 2021. Collection method: clinical testing. Allele origin: germline. Affected: yes.
Comment: Identified in a cohort of individuals with congenital hypothyroidism; however, additional clinical and segregation information and functional analysis were not provided (de Filippis et al., 2017); In silico analysis supports that this missense variant has a deleterious effect on protein structure/function; This variant is associated with the following publications: (PMID: 28444304)